The following is an entry in ClinVar:

ClinVar aggregate classification (germline): Likely pathogenic (1 of 4 stars; one submission).

Conditions:
Greig cephalopolysyndactyly syndrome (GCPS). Also called: POLYSYNDACTYLY WITH PECULIAR SKULL SHAPE; Greig syndrome; GLI3-Related Greig Cephalopolysyndactyly Syndrome. Identifiers: Orphanet 380, MedGen C0265306, MONDO:0008287, OMIM 175700.
Pallister-Hall syndrome (PHS). Also called: HYPOTHALAMIC HAMARTOBLASTOMA, HYPOPITUITARISM, IMPERFORATE ANUS, AND POSTAXIAL POLYDACTYLY; GLI3-Related Pallister-Hall Syndrome. Identifiers: Orphanet 672, MedGen C0265220, MONDO:0007804, OMIM 146510.

Submission:

Labcorp Genetics (formerly Invitae), Labcorp
Classification: Likely pathogenic for Pallister-Hall syndrome; Greig cephalopolysyndactyly syndrome. Last evaluated: 2022-08-09. Review status: criteria provided, single submitter. Criteria: Invitae Variant Classification Sherloc (09022015). Collection method: clinical testing. Allele origin: germline.
Comment: This variant has not been reported in the literature in individuals affected with GLI3-related conditions. This variant is not present in population databases (gnomAD no frequency). This sequence change affects an acceptor splice site in intron 3 of the GLI3 gene. It is expected to disrupt RNA splicing. Variants that disrupt the donor or acceptor splice site typically lead to a loss of protein function (PMID: 16199547), and loss-of-function variants in GLI3 are known to be pathogenic (PMID: 10441570, 15739154, 18000979, 24736735). Algorithms developed to predict the effect of sequence changes on RNA splicing suggest that this variant may disrupt the consensus splice site. In summary, the currently available evidence indicates that the variant is pathogenic, but additional data are needed to prove that conclusively. Therefore, this variant has been classified as Likely Pathogenic.

Literature cited by the submitters: PubMed 16199547; PubMed 10441570; PubMed 15739154; PubMed 18000979; PubMed 24736735.

NM_000168.6(GLI3):c.368-1G>C

Gene: GLI3 (GLI family zinc finger 3; minus strand). Cytogenetic location: 7p14.1.
Variant type: single nucleotide variant.
Coding change: c.368-1G>C on transcript NM_000168.6 (MANE Select); the canonical splice acceptor site of the intron before coding-DNA position 368, G replaced by C.
Molecular consequence: splice acceptor variant.
Genome position (GRCh38, 1-based): chr7:42,076,858, C>G on the plus strand (G>C on the coding strand, the complement: GLI3 is on the minus strand). VCF-style: chr7-42076858-C-G. GRCh37 (hg19) VCF-style: chr7-42116457-C-G.
Identifiers: ClinVar variation 2002389 (VCV002002389.4), dbSNP rs2484805385, ClinGen allele CA367550151.